The following is an entry in ClinVar:

NM_001384125.1(BLTP1):c.11183A>G (p.Asn3728Ser)

Gene: BLTP1 (bridge-like lipid transfer protein family member 1; plus strand). Cytogenetic location: 4q27.
Variant type: single nucleotide variant.
Coding change: c.11183A>G on transcript NM_001384125.1 (MANE Select); coding-DNA position 11183, A replaced by G.
Protein change: p.Asn3728Ser; replaces asparagine 3728 with serine.
Molecular consequence: missense variant.
Genome position (GRCh38, 1-based): chr4:122,325,307, A>G. VCF-style: chr4-122325307-A-G. GRCh37 (hg19) VCF-style: chr4-123246462-A-G.
Other names: c.10982A>G, p.Asn3661Ser (NM_015312.4); short protein forms N3661S, N3728S.
Identifiers: ClinVar variation 1810559 (VCV001810559.2), dbSNP rs781560001, ClinGen allele CA3067685.

ClinVar aggregate classification (germline): Uncertain significance. Review status: criteria provided, multiple submitters, no conflicts (2 of 4 stars). 2 submissions from 2 submitters: Uncertain significance (2). Last evaluated 2022-07-07.

Allele frequency attached by ClinVar (database versions not stated): gnomAD 0.00001; ExAC 0.00004; TOPMed 0.00005.
gnomAD v4.1: 56 of 1,608,006 alleles (0.0035%); highest among the groups gnomAD compares: Admixed American, 0.024%; no homozygotes.

Submissions (2):

GeneDx
Classification: Uncertain significance. Last evaluated: 2022-07-07. Review status: criteria provided, single submitter. Criteria: GeneDx Variant Classification Process June 2021. Collection method: clinical testing. Allele origin: germline. Affected: yes.
Comment: In silico analysis supports that this missense variant does not alter protein structure/function; Has not been previously published as pathogenic or benign to our knowledge

Ambry Genetics
Classification: Uncertain significance. Last evaluated: 2021-12-07. Review status: criteria provided, single submitter. Criteria: Ambry Variant Classification Scheme 2023. Collection method: clinical testing. Allele origin: germline.